The following is an entry in ClinVar:

NM_021625.5(TRPV4):c.1075G>T (p.Asp359Tyr)

Gene: TRPV4 (transient receptor potential cation channel subfamily V member 4; minus strand). Cytogenetic location: 12q24.11.
Variant type: single nucleotide variant.
Coding change: c.1075G>T on transcript NM_021625.5 (MANE Select); coding-DNA position 1075, G replaced by T.
Protein change: p.Asp359Tyr; replaces aspartic acid 359 with tyrosine.
Molecular consequence: missense variant.
Genome position (GRCh38, 1-based): chr12:109,798,691, C>A on the plus strand (G>T on the coding strand, the complement: TRPV4 is on the minus strand). VCF-style: chr12-109798691-C-A. GRCh37 (hg19) VCF-style: chr12-110236496-C-A.
Other names: c.934G>T, p.Asp312Tyr (NM_001177428.2, NM_001177433.2); c.973G>T, p.Asp325Tyr (NM_001177431.2); c.1075G>T, p.Asp359Tyr (NM_147204.3); short protein forms D325Y, D359Y, D312Y.
Identifiers: ClinVar variation 4692735 (VCV004692735.1).
Genomic context (GRCh38, chr12:109,798,691, plus strand): 5'-TGGCAGCCATCATGAGGGGCGAGAGGCCGTCGTTGTTGAGCACGGCCTCCAGGTTGCTGT[C>A]GGGGAAGAGGCGGGCACACTTGAGCAGCAGCAGGTCGTACATCTTGGTAACAAACTTGGT-3'
Protein context (NP_067638.3, residues 349-369): LLLKCARLFP[Asp359Tyr]SNLEAVLNND

ClinVar aggregate classification (germline): Uncertain significance (1 of 4 stars; one submission).

Conditions:
Charcot-Marie-Tooth disease axonal type 2C (HMSN2C). Also called: CHARCOT-MARIE-TOOTH DISEASE, AXONAL, AUTOSOMAL DOMINANT, TYPE 2C; Charcot-Marie-Tooth Neuropathy Type 2C; Charcot-Marie-Tooth Disease Type 2, TRPV4-Related (CMT2C). Identifiers: Orphanet 99937, MedGen C1853710, MONDO:0011633, OMIM 606071.

gnomAD v4.1: 4 of 1,613,862 alleles (0.00025%); highest among the groups gnomAD compares: Non-Finnish European, 0.00034%; no homozygotes.

Submission:

Labcorp Genetics (formerly Invitae), Labcorp
Classification: Uncertain significance for Charcot-Marie-Tooth disease axonal type 2C. Last evaluated: 2025-12-06. Review status: criteria provided, single submitter. Criteria: Invitae Variant Classification Sherloc (09022015). Collection method: clinical testing. Allele origin: germline.
Comment: This sequence change replaces aspartic acid, which is acidic and polar, with tyrosine, which is neutral and polar, at codon 359 of the TRPV4 protein (p.Asp359Tyr). This variant is not present in population databases (gnomAD no frequency). This variant has not been reported in the literature in individuals affected with TRPV4-related conditions. Invitae Evidence Modeling of protein sequence and biophysical properties (such as structural, functional, and spatial information, amino acid conservation, physicochemical variation, residue mobility, and thermodynamic stability) has been performed for this missense variant. However, the output from this modeling did not meet the statistical confidence thresholds required to predict the impact of this variant on TRPV4 protein function. In summary, the available evidence is currently insufficient to determine the role of this variant in disease. Therefore, it has been classified as a Variant of Uncertain Significance.